The following is an entry in ClinVar:

ClinVar aggregate classification (germline): Uncertain significance. Review status: criteria provided, multiple submitters, no conflicts (2 of 4 stars). 2 submissions from 2 submitters: Uncertain significance (2). Last evaluated 2025-10-20.

Conditions:
Early-infantile DEE. Also called: Early infantile epileptic encephalopathy with suppression bursts; Early infantile epileptic encephalopathy; Ohtahara syndrome. Identifiers: Orphanet 1934, MedGen C0393706, MONDO:0800491.
HCN1-related disorder. Also called: HCN1-related condition; HCN1-related disorders.

Allele frequency attached by ClinVar (database versions not stated): gnomAD exomes 0.00001 and 0.00002; ExAC 0.00003.
gnomAD v4.1: 13 of 1,614,180 alleles (0.00081%); highest among the groups gnomAD compares: Non-Finnish European, 0.001%; no homozygotes.

Submissions (2):

Labcorp Genetics (formerly Invitae), Labcorp
Classification: Uncertain significance for Early-infantile DEE. Last evaluated: 2025-10-20. Review status: criteria provided, single submitter. Criteria: Invitae Variant Classification Sherloc (09022015). Collection method: clinical testing. Allele origin: germline.
Comment: This sequence change replaces asparagine, which is neutral and polar, with threonine, which is neutral and polar, at codon 619 of the HCN1 protein (p.Asn619Thr). This variant is present in population databases (rs778783214, gnomAD 0.004%). This variant has not been reported in the literature in individuals affected with HCN1-related conditions. ClinVar contains an entry for this variant (Variation ID: 1345269). Invitae Evidence Modeling of protein sequence and biophysical properties (such as structural, functional, and spatial information, amino acid conservation, physicochemical variation, residue mobility, and thermodynamic stability) indicates that this missense variant is not expected to disrupt HCN1 protein function with a negative predictive value of 95%. In summary, the available evidence is currently insufficient to determine the role of this variant in disease. Therefore, it has been classified as a Variant of Uncertain Significance.

PreventionGenetics, part of Exact Sciences
Classification: Uncertain significance for HCN1-related condition. Last evaluated: 2025-05-20. Review status: criteria provided, single submitter. Criteria: ACMG Guidelines, 2015. Collection method: clinical testing. Allele origin: germline.
Comment: The HCN1 c.1856A>C variant is predicted to result in the amino acid substitution p.Asn619Thr. To our knowledge, this variant has not been reported in the literature. This variant is reported in 0.0053% of alleles in individuals of European (Non-Finnish) descent in gnomAD. At this time, the clinical significance of this variant is uncertain due to the absence of conclusive functional and genetic evidence.

NM_021072.4(HCN1):c.1856A>C (p.Asn619Thr)

Gene: HCN1 (hyperpolarization activated cyclic nucleotide gated potassium channel 1; minus strand). Cytogenetic location: 5p12.
Variant type: single nucleotide variant.
Coding change: c.1856A>C on transcript NM_021072.4 (MANE Select); coding-DNA position 1856, A replaced by C.
Protein change: p.Asn619Thr; replaces asparagine 619 with threonine.
Molecular consequence: missense variant.
Genome position (GRCh38, 1-based): chr5:45,262,738, T>G on the plus strand (A>C on the coding strand, the complement: HCN1 is on the minus strand). VCF-style: chr5-45262738-T-G. GRCh37 (hg19) VCF-style: chr5-45262840-T-G.
Other names: c.1856A>C (NM_021072.3); short protein forms N619T.
Identifiers: ClinVar variation 1345269 (VCV001345269.10), dbSNP rs778783214, ClinGen allele CA3259209.
Genomic context (GRCh38, chr5:45,262,738, plus strand): 5'-ATGGGAGCGATTGCCTGCACCATCTCCCTGTCATGTTTCACAATCTGCTTGAGGATTTCG[T>G]TCTCCTGATTGTTGAAAACACCAGTGTTCAGATCCTTCTGGAACTTTTGCAGAAGAATTG-3'
Protein context (NP_066550.2, residues 609-629): LNTGVFNNQE[Asn619Thr]EILKQIVKHD